The following is an entry in ClinVar:

NM_021008.4(DEAF1):c.1072A>G (p.Thr358Ala)

Gene: DEAF1 (DEAF1 transcription factor; minus strand). Cytogenetic location: 11p15.5.
Variant type: single nucleotide variant.
Coding change: c.1072A>G on transcript NM_021008.4 (MANE Select); coding-DNA position 1072, A replaced by G.
Protein change: p.Thr358Ala; replaces threonine 358 with alanine.
Molecular consequence: missense variant.
Genome position (GRCh38, 1-based): chr11:679,742, T>C on the plus strand (A>G on the coding strand, the complement: DEAF1 is on the minus strand). VCF-style: chr11-679742-T-C. GRCh37 (hg19) VCF-style: chr11-679742-T-C.
Other names: c.805A>G, p.Thr269Ala (NM_001293634.2); c.346A>G, p.Thr116Ala (NM_001367390.1); short protein forms T116A, T269A, T358A.
Identifiers: ClinVar variation 1354624 (VCV001354624.8), dbSNP rs773559317, ClinGen allele CA5786333.
Genomic context (GRCh38, chr11:679,742, plus strand): 5'-GCTCACCTGTGGCCCCTGCGAAGACGTCGCCCTGGGCCGGACTCTCTGATATGACAGCAG[T>C]GGCCTCTACCGTGGACGCTCGGTCAAAGGTCAGTGCCCCCGAGGTCGTGATCTGTCCCGA-3'
Protein context (NP_066288.2, residues 348-368): TFDRASTVEA[Thr358Ala]AVISESPAQG

ClinVar aggregate classification (germline): Uncertain significance (1 of 4 stars; one submission).

Allele frequency attached by ClinVar (database versions not stated): gnomAD exomes below 0.00001 and 0.00001; ExAC 0.00001; gnomAD 0.00001; TOPMed 0.00001.
gnomAD v4.1: 6 of 1,613,740 alleles (0.00037%); highest among the groups gnomAD compares: Non-Finnish European, 0.00051%; no homozygotes.

Submission:

Labcorp Genetics (formerly Invitae), Labcorp
Classification: Uncertain significance. Last evaluated: 2024-02-08. Review status: criteria provided, single submitter. Criteria: Invitae Variant Classification Sherloc (09022015). Collection method: clinical testing. Allele origin: germline.
Comment: This sequence change replaces threonine, which is neutral and polar, with alanine, which is neutral and non-polar, at codon 358 of the DEAF1 protein (p.Thr358Ala). This variant is present in population databases (rs773559317, gnomAD 0.002%). This missense change has been observed in individual(s) with DEAF1-related conditions (Invitae). ClinVar contains an entry for this variant (Variation ID: 1354624). Advanced modeling of protein sequence and biophysical properties (such as structural, functional, and spatial information, amino acid conservation, physicochemical variation, residue mobility, and thermodynamic stability) performed at Invitae indicates that this missense variant is not expected to disrupt DEAF1 protein function with a negative predictive value of 95%. In summary, the available evidence is currently insufficient to determine the role of this variant in disease. Therefore, it has been classified as a Variant of Uncertain Significance.